The following is an entry in ClinVar:

ClinVar aggregate classification (germline): Uncertain significance. Review status: criteria provided, single submitter (1 of 4 stars). 2 submissions from 2 submitters: Uncertain significance (1). 1 of the submissions does not count toward it. Last evaluated 2025-04-10.

Conditions:
GIPC1-related condition.

gnomAD v4.1: 12 of 1,611,678 alleles (0.00074%); highest among the groups gnomAD compares: Non-Finnish European, 0.001%; no homozygotes.

Submissions (2):

Ambry Genetics
Classification: Uncertain significance. Last evaluated: 2025-04-10. Review status: criteria provided, single submitter. Criteria: Ambry Variant Classification Scheme 2023. Collection method: clinical testing. Allele origin: germline.

PreventionGenetics, part of Exact Sciences
Classification: Uncertain significance for GIPC1-related condition. Last evaluated: 2024-09-10. Review status: no assertion criteria provided. Collection method: clinical testing. Allele origin: germline. Not counted in ClinVar's aggregate classification.
Comment: The GIPC1 c.20G>T variant is predicted to result in the amino acid substitution p.Arg7Leu. To our knowledge, this variant has not been reported in the literature. This variant is reported in 0.0% of alleles in individuals of African descent in gnomAD. At this time, the clinical significance of this variant is uncertain due to the absence of conclusive functional and genetic evidence.

NM_005716.4(GIPC1):c.20G>T (p.Arg7Leu)

Gene: GIPC1 (GIPC PDZ domain containing family member 1; minus strand). Cytogenetic location: 19p13.12.
Variant type: single nucleotide variant.
Coding change: c.20G>T on transcript NM_005716.4 (MANE Select); coding-DNA position 20, G replaced by T.
Protein change: p.Arg7Leu; replaces arginine 7 with leucine.
Molecular consequence: missense variant. On other transcripts: intron variant (2).
Genome position (GRCh38, 1-based): chr19:14,482,957, C>A on the plus strand (G>T on the coding strand, the complement: GIPC1 is on the minus strand). VCF-style: chr19-14482957-C-A. GRCh37 (hg19) VCF-style: chr19-14593769-C-A.
Other names: c.20G>T, p.Arg7Leu (NM_202468.3, NM_202470.3); c.-3-2179G>T (NM_202494.3, NM_202469.3); c.20G>T (NM_005716.2); short protein forms R7L.
Identifiers: ClinVar variation 3351913 (VCV003351913.2).